The following is an entry in ClinVar:

NM_006659.4(TUBGCP2):c.1360+7_1360+8insGCGGCACAGCGGGCAGGGACTTGGCGTCC

Gene: TUBGCP2 (tubulin gamma complex component 2; minus strand). Cytogenetic location: 10q26.3.
Variant type: Insertion.
Coding change: c.1360+7_1360+8insGCGGCACAGCGGGCAGGGACTTGGCGTCC on transcript NM_006659.4 (MANE Select); bases 7 to 8 of the intron after coding-DNA position 1360, GCGGCACAGCGGGCAGGGACTTGGCGTCC inserted.
Molecular consequence: intron variant.
Genome position: GRCh38 VCF-style: chr10-133289816-C-CGCCGCGGACGCCAAGTCCCTGCCCGCTGT. GRCh37 (hg19) VCF-style: chr10-135103320-C-CGCCGCGGACGCCAAGTCCCTGCCCGCTGT.
Other names: c.1444+7_1444+8insGCGGCACAGCGGGCAGGGACTTGGCGTCC (NM_001256617.2); c.970+7_970+8insGCGGCACAGCGGGCAGGGACTTGGCGTCC (NM_001256618.2).
Identifiers: ClinVar variation 3067434 (VCV003067434.21), dbSNP rs779607105, ClinGen allele CA5764034.

ClinVar aggregate classification (germline): Likely benign (1 of 4 stars; one submission).

Submission:

CeGaT Center for Human Genetics Tuebingen
Classification: Likely benign. Last evaluated: 2024-03-01. Review status: criteria provided, single submitter. Criteria: CeGaT Center For Human Genetics Tuebingen Variant Classification Criteria Version 2. Collection method: clinical testing. Allele origin: germline. Affected: yes. Observed: 1 variant allele.
Comment: TUBGCP2: BP4